The following is an entry in ClinVar:

NM_001201338.2(SAFB):c.2394G>C (p.Trp798Cys)

Gene: SAFB (scaffold attachment factor B; plus strand). Cytogenetic location: 19p13.3.
Variant type: single nucleotide variant.
Coding change: c.2394G>C on transcript NM_001201338.2 (MANE Select); coding-DNA position 2394, G replaced by C.
Protein change: p.Trp798Cys; replaces tryptophan 798 with cysteine.
Molecular consequence: missense variant.
Genome position (GRCh38, 1-based): chr19:5,667,105, G>C. VCF-style: chr19-5667105-G-C. GRCh37 (hg19) VCF-style: chr19-5667116-G-C.
Other names: c.2391G>C, p.Trp797Cys (NM_001201339.2, NM_001320572.2); c.2187G>C, p.Trp729Cys (NM_001201340.2); c.1920G>C, p.Trp640Cys (NM_001320571.2); c.2394G>C, p.Trp798Cys (NM_002967.4); c.2394G>C (NM_001201338.1); short protein forms W798C, W640C, W797C, W729C.
Identifiers: ClinVar variation 451975 (VCV000451975.3), dbSNP rs200429675, ClinGen allele CA304642172.

ClinVar aggregate classification (germline): Uncertain significance. Review status: criteria provided, multiple submitters, no conflicts (2 of 4 stars). 2 submissions from 2 submitters: Uncertain significance (2). Last evaluated 2025-05-14.

Allele frequency attached by ClinVar (database versions not stated): TOPMed 0.00002; gnomAD 0.00001.
gnomAD v4.1: 10 of 1,612,730 alleles (0.00062%); highest among the groups gnomAD compares: African/African-American, 0.0013%; no homozygotes.

Submissions (2):

Ambry Genetics
Classification: Uncertain significance. Last evaluated: 2025-05-14. Review status: criteria provided, single submitter. Criteria: Ambry Variant Classification Scheme 2023. Collection method: clinical testing. Allele origin: germline.

GeneDx
Classification: Uncertain significance. Last evaluated: 2017-09-11. Review status: criteria provided, single submitter. Criteria: GeneDx Variant Classification (06012015). Collection method: clinical testing. Allele origin: germline. Affected: yes.
Comment: The W798C variant in the SAFB gene has not been reported previously as a pathogenic variant, nor as a benign variant, to our knowledge. The W798C variant is not observed in large population cohorts (Lek et al., 2016; 1000 Genomes Consortium et al., 2015; Exome Variant Server). The W798C variant is a non-conservative amino acid substitution, which is likely to impact secondary protein structure as these residues differ in polarity, charge, size and/or other properties. This substitution occurs at a position that is conserved across species. In silico analysis predicts this variant is probably damaging to the protein structure/function. We interpret W798C as a variant of uncertain significance.